The following is an entry in ClinVar:

NM_000343.4(SLC5A1):c.1339G>A (p.Ala447Thr)

Gene: SLC5A1 (solute carrier family 5 member 1; plus strand). Cytogenetic location: 22q12.3.
Variant type: single nucleotide variant.
Coding change: c.1339G>A on transcript NM_000343.4 (MANE Select); coding-DNA position 1339, G replaced by A.
Protein change: p.Ala447Thr; replaces alanine 447 with threonine.
Molecular consequence: missense variant.
Genome position (GRCh38, 1-based): chr22:32,099,241, G>A. VCF-style: chr22-32099241-G-A. GRCh37 (hg19) VCF-style: chr22-32495228-G-A.
Other names: c.958G>A, p.Ala320Thr (NM_001256314.2); short protein forms A447T, A320T.
Identifiers: ClinVar variation 2127298 (VCV002127298.4), dbSNP rs1489749698, ClinGen allele CA411311502.
Genomic context (GRCh38, chr22:32,099,241, plus strand): 5'-AGGTTGTTTATCCTGGTGCTGATTGGCATCAGCATCGCCTGGGTGCCCATTGTGCAGTCA[G>A]CACAAAGTGGGCAACTCTTCGATTACATCCAGTCCATCACCAGTTACTTGGGACCACCCA-3'
Protein context (NP_000334.1, residues 437-457): SIAWVPIVQS[Ala447Thr]QSGQLFDYIQ

ClinVar aggregate classification (germline): Uncertain significance (1 of 4 stars; one submission).

Conditions:
Congenital glucose-galactose malabsorption (GGM). Also called: DIARRHEA 16; MONOSACCHARIDE MALABSORPTION. Identifiers: Orphanet 35710, MedGen C0268186, MONDO:0011731, OMIM 606824.

Allele frequency attached by ClinVar (database versions not stated): gnomAD exomes below 0.00001.
gnomAD v4.1: 1 of 1,613,048 alleles (0.000062%); highest among the groups gnomAD compares: Admixed American, 0.0017%; no homozygotes.

Submission:

Labcorp Genetics (formerly Invitae), Labcorp
Classification: Uncertain significance for Congenital glucose-galactose malabsorption. Last evaluated: 2022-04-18. Review status: criteria provided, single submitter. Criteria: Invitae Variant Classification Sherloc (09022015). Collection method: clinical testing. Allele origin: germline.
Comment: This sequence change replaces alanine, which is neutral and non-polar, with threonine, which is neutral and polar, at codon 447 of the SLC5A1 protein (p.Ala447Thr). In summary, the available evidence is currently insufficient to determine the role of this variant in disease. Therefore, it has been classified as a Variant of Uncertain Significance. Algorithms developed to predict the effect of missense changes on protein structure and function are either unavailable or do not agree on the potential impact of this missense change (SIFT: "Deleterious"; PolyPhen-2: "Benign"; Align-GVGD: "Class C55"). This variant has not been reported in the literature in individuals affected with SLC5A1-related conditions. This variant is present in population databases (no rsID available, gnomAD 0.003%).